The following is an entry in ClinVar:

NM_000059.4(BRCA2):c.9930A>C (p.Thr3310=)

Gene: BRCA2 (BRCA2 DNA repair associated; plus strand). Cytogenetic location: 13q13.1.
Variant type: single nucleotide variant.
Coding change: c.9930A>C on transcript NM_000059.4 (MANE Select); coding-DNA position 9930, A replaced by C.
Protein change: p.Thr3310=; no amino-acid change (threonine 3310 retained).
Molecular consequence: synonymous variant.
Genome position (GRCh38, 1-based): chr13:32,398,443, A>C. VCF-style: chr13-32398443-A-C. GRCh37 (hg19) VCF-style: chr13-32972580-A-C.
Identifiers: ClinVar variation 427542 (VCV000427542.3), dbSNP rs192049298, ClinGen allele CA6941457.

ClinVar aggregate classification (germline): Likely benign (3 of 4 stars; one submission).

Conditions:
Breast-ovarian cancer, familial, susceptibility to, 2 (BROVCA2). Also called: BRCA2 Hereditary Breast and Ovarian Cancer. Identifiers: Orphanet 145, MedGen C2675520, MONDO:0012933, OMIM 612555. Disease mechanism: loss of function.

Allele frequency attached by ClinVar (database versions not stated): gnomAD exomes below 0.00001; ExAC 0.00001; gnomAD 0.00001; 1000 Genomes Project 30x 0.00016; 1000 Genomes Project 0.00020.
gnomAD v4.1: 1 of 1,614,194 alleles (0.000062%); highest among the groups gnomAD compares: East Asian, 0.0022%; no homozygotes.

Submission:

Evidence-based Network for the Interpretation of Germline Mutant Alleles (ENIGMA)
Classification: Likely benign for Breast-ovarian cancer, familial, susceptibility to, 2. Last evaluated: 2017-06-29. Review status: reviewed by expert panel. Criteria: ENIGMA BRCA1/2 Classification Criteria (2017-06-29). Collection method: curation. Allele origin: germline.
Comment: Synonymous substitution variant, with low bioinformatic likelihood to result in a splicing aberration (Splicing prior probability 0.02).